The following is an entry in ClinVar:

NM_004211.5(SLC6A5):c.946A>G (p.Asn316Asp)

Gene: SLC6A5 (solute carrier family 6 member 5; plus strand). Cytogenetic location: 11p15.1.
Variant type: single nucleotide variant.
Coding change: c.946A>G on transcript NM_004211.5 (MANE Select); coding-DNA position 946, A replaced by G.
Protein change: p.Asn316Asp; replaces asparagine 316 with aspartic acid.
Molecular consequence: missense variant.
Genome position (GRCh38, 1-based): chr11:20,607,613, A>G. VCF-style: chr11-20607613-A-G. GRCh37 (hg19) VCF-style: chr11-20629159-A-G.
Other names: c.244A>G, p.Asn82Asp (NM_001318369.2); short protein forms N316D, N82D.
Identifiers: ClinVar variation 2093060 (VCV002093060.4), dbSNP rs2494107192, ClinGen allele CA379914475.
Genomic context (GRCh38, chr11:20,607,613, plus strand): 5'-TTCTACCTGTTTGCCTCCTTTGTGTCTGTACTACCCTGGGGCTCCTGCAACAACCCTTGG[A>G]ATACGCCAGAATGCAAAGATAAAACCAAACTTTTATTAGGTAAGTTTGGAAATACCTGCT-3'
Protein context (NP_004202.4, residues 306-326): LPWGSCNNPW[Asn316Asp]TPECKDKTKL

ClinVar aggregate classification (germline): Uncertain significance (1 of 4 stars; one submission).

Conditions:
Hyperekplexia 3 (HKPX3). Also called: HYPEREKPLEXIA 3, AUTOSOMAL RECESSIVE; HYPEREKPLEXIA 3, AUTOSOMAL DOMINANT. Identifiers: Orphanet 3197, MedGen C3553288, MONDO:0013827, OMIM 614618.

Submission:

Labcorp Genetics (formerly Invitae), Labcorp
Classification: Uncertain significance for Hyperekplexia 3. Last evaluated: 2022-02-04. Review status: criteria provided, single submitter. Criteria: Invitae Variant Classification Sherloc (09022015). Collection method: clinical testing. Allele origin: germline.
Comment: This variant has not been reported in the literature in individuals affected with SLC6A5-related conditions. This variant is not present in population databases (gnomAD no frequency). This sequence change replaces asparagine, which is neutral and polar, with aspartic acid, which is acidic and polar, at codon 316 of the SLC6A5 protein (p.Asn316Asp). Algorithms developed to predict the effect of missense changes on protein structure and function are either unavailable or do not agree on the potential impact of this missense change (SIFT: "Deleterious"; PolyPhen-2: "Possibly Damaging"; Align-GVGD: "Class C15"). In summary, the available evidence is currently insufficient to determine the role of this variant in disease. Therefore, it has been classified as a Variant of Uncertain Significance.